The following is an entry in ClinVar:

NM_000458.4(HNF1B):c.1282C>T (p.Gln428Ter)

Gene: HNF1B (HNF1 homeobox B; minus strand). Cytogenetic location: 17q12.
Variant type: single nucleotide variant.
Coding change: c.1282C>T on transcript NM_000458.4 (MANE Select); coding-DNA position 1282, C replaced by T.
Protein change: p.Gln428Ter; replaces glutamine 428 with a stop codon.
Molecular consequence: nonsense.
Genome position (GRCh38, 1-based): chr17:37,704,974, G>A on the plus strand (C>T on the coding strand, the complement: HNF1B is on the minus strand). VCF-style: chr17-37704974-G-A. GRCh37 (hg19) VCF-style: chr17-36064981-G-A.
Other names: c.1204C>T, p.Gln402Ter (NM_001165923.4, NM_001304286.2); short protein forms Q402*, Q428*.
Identifiers: ClinVar variation 979080 (VCV000979080.3), dbSNP rs2032692897, ClinGen allele CA398757330.
Genomic context (GRCh38, chr17:37,704,974, plus strand): 5'-TACTTTGTGCAATTGCCATGACTCCAGAGAGGGGTGTCATGATGAGGTTTTGAGATTGCT[G>A]GGGATTATGGTGGGAGAGGCTGTGGATATTCGTCAAGGTGCTGACTGGGGGCAAACCTCC-3'

ClinVar aggregate classification (germline): Pathogenic/Likely pathogenic. Review status: criteria provided, multiple submitters, no conflicts (2 of 4 stars). 3 submissions from 3 submitters: Pathogenic (2); Likely pathogenic (1). Last evaluated 2024-02-23.

Conditions:
Renal cysts and diabetes syndrome (RCAD). Also called: Familial hypoplastic, glomerulocystic kidney; MATURITY-ONSET DIABETES OF THE YOUNG, TYPE 5. Identifiers: Orphanet 93111, MedGen C0431693, MONDO:0007669, OMIM 137920.
Maturity-onset diabetes of the young (MODY). Also called: Maturity onset diabetes mellitus in young. Identifiers: Orphanet 552, MedGen C0342276, MONDO:0018911, HP:0004904.

Submissions (3):

Ambry Genetics
Classification: Pathogenic for Maturity-onset diabetes of the young. Last evaluated: 2024-02-23. Review status: criteria provided, single submitter. Criteria: Ambry Variant Classification Scheme 2023. Collection method: clinical testing. Allele origin: germline.
Comment: The c.1282C>T (p.Q428*) alteration, located in exon 6 (coding exon 6) of the HNF1B gene, consists of a C to T substitution at nucleotide position 1282. This changes the amino acid from a glutamine (Q) to a stop codon at amino acid position 428. This alteration is expected to result in loss of function by premature protein truncation or nonsense-mediated mRNA decay. This variant was not reported in population-based cohorts in the Genome Aggregation Database (gnomAD). Based on the available evidence, this alteration is classified as pathogenic.

Human Genome Sequencing Center Clinical Lab, Baylor College of Medicine
Classification: Likely pathogenic for Renal cysts and diabetes syndrome. Last evaluated: 2018-10-15. Review status: criteria provided, single submitter. Criteria: ACMG Guidelines, 2015. Collection method: clinical testing. Allele origin: germline.
Comment: This c.1282C>T (p.Gln428*) variant in exon 6 of the HNF1B gene results in an early stop codon. Loss of functions mutations in the HNF1B gene are known to be a disease-causing mechanism. It has not been observed in the population databases dbSNP and gnomAD (and gnomAD). Therefore, the c.1282C>T (p.Gln428*) variant in the HNF1B gene has been classified as a likely pathogenic variant.

Clinical Genomics, Uppaluri K&H Personalized Medicine Clinic
Classification: Pathogenic for Maturity-onset diabetes of the young. Review status: criteria provided, single submitter. Criteria: K & H Uppaluri Personalized Medicine Clinic Variant Classification & Assertion Criteria_Updated V.1. Collection method: research. Allele origin: unknown.
Comment: HNF1B gene mutations are associated with early onset diabetes and pancreatic atrophy. It is also associated with multiple renal manifestations including renal cysts, Tubulointerstitial disease, glomerulocystic disease, renal hypoplasia, hypomagnesemia. However no sufficient evidence is found to ascertain the role of this particular variant rs2032692897, yet.

Literature cited by the submitters: PubMed 24897035 (cited by Clinical Genomics, Uppaluri K&H Personalized Medicine Clinic); PubMed 25536396 (cited by Clinical Genomics, Uppaluri K&H Personalized Medicine Clinic); PubMed 27615128 (cited by Clinical Genomics, Uppaluri K&H Personalized Medicine Clinic); PubMed 28215227 (cited by Clinical Genomics, Uppaluri K&H Personalized Medicine Clinic); PubMed 33434175 (cited by Clinical Genomics, Uppaluri K&H Personalized Medicine Clinic); PubMed 25741167 (cited by Clinical Genomics, Uppaluri K&H Personalized Medicine Clinic); PubMed 26340261 (cited by Clinical Genomics, Uppaluri K&H Personalized Medicine Clinic); PubMed 19639018 (cited by Clinical Genomics, Uppaluri K&H Personalized Medicine Clinic).